The following is an entry in ClinVar:

ClinVar aggregate classification (germline): Pathogenic (1 of 4 stars; one submission).

Conditions:
Pierpont syndrome (PRPTS). Identifiers: Orphanet 487825, MedGen C1865644, MONDO:0011213, OMIM 602342.

Submission:

Labcorp Genetics (formerly Invitae), Labcorp
Classification: Pathogenic for Pierpont syndrome. Last evaluated: 2023-04-09. Review status: criteria provided, single submitter. Criteria: Invitae Variant Classification Sherloc (09022015). Collection method: clinical testing. Allele origin: germline.
Comment: For these reasons, this variant has been classified as Pathogenic. This sequence change creates a premature translational stop signal (p.Lys277Argfs*22) in the TBL1XR1 gene. It is expected to result in an absent or disrupted protein product. Loss-of-function variants in TBL1XR1 are known to be pathogenic (PMID: 23160955, 26740553, 27824329). This variant is not present in population databases (gnomAD no frequency). This variant has not been reported in the literature in individuals affected with TBL1XR1-related conditions.

Literature cited by the submitters: PubMed 23160955; PubMed 26740553; PubMed 27824329.

NM_024665.7(TBL1XR1):c.830_831del (p.Lys277fs)

Genes: TBL1XR1 (TBL1X/Y related 1; minus strand), TBL1XR1-AS1 (TBL1XR1 antisense RNA 1; plus strand). Cytogenetic location: 3q26.32.
Variant type: Deletion.
Coding change: c.830_831del on transcript NM_024665.7 (MANE Select); coding-DNA positions 830 to 831, 2 bases deleted (AA; older notation c.830_831delAA).
Protein change: p.Lys277fs; shifts the reading frame from lysine 277.
Molecular consequence: frameshift variant.
Genome position (GRCh38, 1-based): chr3:177,047,333-177,047,334, TT deleted on the plus strand (AA on the coding strand, the reverse complement: TBL1XR1 is on the minus strand); deleting any 2 consecutive bases within chr3:177,047,333-177,047,335 gives the same sequence; the c. name uses the placement nearest the transcript's 3' end. VCF-style (leftmost placement, unchanged base first): chr3-177047332-CTT-C. GRCh37 (hg19) VCF-style: chr3-176765120-CTT-C.
Other names: c.830_831del, p.Lys277fs (NM_001321193.3, NM_001321194.3, NM_001374327.1 and 2 more transcripts); c.569_570del, p.Lys190fs (NM_001321195.3, NM_001374330.1); short protein forms K190fs, K277fs.
Identifiers: ClinVar variation 2854416 (VCV002854416.3), dbSNP rs2473700683, ClinGen allele CA2739278492.